The following is an entry in ClinVar:

ClinVar aggregate classification (germline): Uncertain significance (1 of 4 stars; one submission).

Conditions:
Epileptic encephalopathy. Identifiers: MedGen C0543888, HP:0200134.

Submission:

Labcorp Genetics (formerly Invitae), Labcorp
Classification: Uncertain significance for Epileptic encephalopathy. Last evaluated: 2025-07-30. Review status: criteria provided, single submitter. Criteria: Invitae Variant Classification Sherloc (09022015). Collection method: clinical testing. Allele origin: germline.
Comment: This sequence change affects codon 1770 of the FASN mRNA. It is a 'silent' change, meaning that it does not change the encoded amino acid sequence of the FASN protein. This variant is not present in population databases (gnomAD no frequency). This variant has not been reported in the literature in individuals affected with FASN-related conditions. Algorithms developed to predict the effect of sequence changes on RNA splicing suggest that this variant may create or strengthen a splice site. In summary, the available evidence is currently insufficient to determine the role of this variant in disease. Therefore, it has been classified as a Variant of Uncertain Significance.

NM_004104.5(FASN):c.5310C>T (p.Gly1770=)

Gene: FASN (fatty acid synthase; minus strand). Cytogenetic location: 17q25.3.
Variant type: single nucleotide variant.
Coding change: c.5310C>T on transcript NM_004104.5 (MANE Select); coding-DNA position 5310, C replaced by T.
Protein change: p.Gly1770=; no amino-acid change (glycine 1770 retained).
Molecular consequence: synonymous variant.
Genome position (GRCh38, 1-based): chr17:82,083,548, G>A on the plus strand (C>T on the coding strand, the complement: FASN is on the minus strand). VCF-style: chr17-82083548-G-A. GRCh37 (hg19) VCF-style: chr17-80041424-G-A.
Identifiers: ClinVar variation 4724410 (VCV004724410.1).